The following is an entry in ClinVar:

ClinVar aggregate classification (germline): Uncertain significance (1 of 4 stars; one submission).

Conditions:
Neurodevelopmental disorder. Identifiers: MedGen C1535926, MeSH D065886, MONDO:0700092.

Submission:

Broad Center for Mendelian Genomics, Broad Institute of MIT and Harvard
Classification: Uncertain significance for Neurodevelopmental disorder. Last evaluated: 2026-03-02. Review status: criteria provided, single submitter. Criteria: ACMG Guidelines, 2015. Collection method: research. Allele origin: germline. Inheritance: Autosomal recessive inheritance.
Comment: Trio exome analysis revealed that this variant was in trans with the other variant of uncertain significance. The p.Ala1700Val variant in ZNF236 has not been previously reported in the literature in individuals with neurodevelopmental disorders, and was absent from large population studies. Computational prediction tools and conservation analyses do not provide strong support for or against an impact to the protein. The number of missense variants reported in ZNF236 in the general population is lower than expected, suggesting there is little benign variation in this gene and slightly increasing the possibility that a missense variant in this gene may not be tolerated. While variants in the ZNF236 gene have been reported in individuals with neurodevelopmental disorders, this association has not been definitively established. In summary, given the limited information about this gene-disease relationship, the significance of the p.Ala1700Val variant is uncertain.

NM_001306089.2(ZNF236):c.5099C>T (p.Ala1700Val)

Gene: ZNF236 (zinc finger protein 236; plus strand). Cytogenetic location: 18q23.
Variant type: single nucleotide variant.
Coding change: c.5099C>T on transcript NM_001306089.2 (MANE Select); coding-DNA position 5099, C replaced by T.
Protein change: p.Ala1700Val; replaces alanine 1700 with valine.
Molecular consequence: missense variant.
Genome position (GRCh38, 1-based): chr18:76,956,169, C>T. VCF-style: chr18-76956169-C-T. GRCh37 (hg19) VCF-style: chr18-74668125-C-T.
Other names: NM_007345.4:c.5093C>T; c.5093C>T, p.Ala1698Val (NM_007345.4); short protein forms A1698V, A1700V.
Identifiers: ClinVar variation 4819491 (VCV004819491.1).